The following is an entry in ClinVar:

NM_000051.4(ATM):c.227G>A (p.Arg76Lys)

Gene: ATM (ATM serine/threonine kinase; plus strand). Cytogenetic location: 11q22.3.
Variant type: single nucleotide variant.
Coding change: c.227G>A on transcript NM_000051.4 (MANE Select); coding-DNA position 227, G replaced by A.
Protein change: p.Arg76Lys; replaces arginine 76 with lysine.
Molecular consequence: missense variant.
Genome position (GRCh38, 1-based): chr11:108,229,219, G>A. VCF-style: chr11-108229219-G-A. GRCh37 (hg19) VCF-style: chr11-108099946-G-A.
Other names: c.227G>A, p.Arg76Lys (NM_001351834.2, NM_001351835.2, NM_001351836.2); short protein forms R76K.
Identifiers: ClinVar variation 630480 (VCV000630480.12), dbSNP rs1565346853, ClinGen allele CA382521438.

ClinVar aggregate classification (germline): Conflicting classifications of pathogenicity. Review status: criteria provided, conflicting classifications (1 of 4 stars). 3 submissions from 3 submitters: Uncertain significance (2); Likely benign (1). Last evaluated 2024-12-23.

Conditions:
Ataxia-telangiectasia syndrome (AT). Also called: Ataxia-telangiectasia, complementation group D; AT, COMPLEMENTATION GROUP C; Ataxia-telangiectasia; ATAXIA-TELANGIECTASIA, COMPLEMENTATION GROUP A; ATAXIA-TELANGIECTASIA, FRESNO VARIANT; LOUIS-BAR SYNDROME. Identifiers: Orphanet 100, MedGen C0004135, MONDO:0008840, OMIM 208900.
Hereditary cancer-predisposing syndrome. Also called: Hereditary Cancer Syndrome; Neoplastic Syndromes, Hereditary; Tumor predisposition; Hereditary neoplastic syndrome. Identifiers: Orphanet 140162, MedGen C0027672, MeSH D009386, MONDO:0015356.

Submissions (3):

Labcorp Genetics (formerly Invitae), Labcorp
Classification: Uncertain significance for Ataxia-telangiectasia syndrome. Last evaluated: 2024-12-23. Review status: criteria provided, single submitter. Criteria: Invitae Variant Classification Sherloc (09022015). Collection method: clinical testing. Allele origin: germline.
Comment: This sequence change replaces arginine, which is basic and polar, with lysine, which is basic and polar, at codon 76 of the ATM protein (p.Arg76Lys). This variant is not present in population databases (gnomAD no frequency). This variant has not been reported in the literature in individuals affected with ATM-related conditions. ClinVar contains an entry for this variant (Variation ID: 630480). Invitae Evidence Modeling of protein sequence and biophysical properties (such as structural, functional, and spatial information, amino acid conservation, physicochemical variation, residue mobility, and thermodynamic stability) indicates that this missense variant is not expected to disrupt ATM protein function with a negative predictive value of 95%. In summary, the available evidence is currently insufficient to determine the role of this variant in disease. Therefore, it has been classified as a Variant of Uncertain Significance.

Ambry Genetics
Classification: Likely benign for Hereditary cancer-predisposing syndrome. Last evaluated: 2024-08-30. Review status: criteria provided, single submitter. Criteria: Ambry Variant Classification Scheme 2023. Collection method: clinical testing. Allele origin: germline.

Color Diagnostics, LLC DBA Color Health
Classification: Uncertain significance for Hereditary cancer-predisposing syndrome. Last evaluated: 2020-12-02. Review status: criteria provided, single submitter. Criteria: ACMG Guidelines, 2015. Collection method: clinical testing. Allele origin: germline.
Comment: This missense variant replaces arginine with lysine at codon 76 of the ATM protein. Computational prediction suggests that this variant may not impact protein structure and function (internally defined REVEL score threshold <= 0.5, PMID: 27666373). To our knowledge, functional studies have not been reported for this variant. This variant has not been reported in individuals affected with hereditary cancer in the literature. This variant has not been identified in the general population by the Genome Aggregation Database (gnomAD). The available evidence is insufficient to determine the role of this variant in disease conclusively. Therefore, this variant is classified as a Variant of Uncertain Significance.